The following is an entry in ClinVar:

NM_001367624.2(ZNF469):c.9896C>G (p.Ala3299Gly)

Gene: ZNF469 (zinc finger protein 469; plus strand). Cytogenetic location: 16q24.2.
Variant type: single nucleotide variant.
Coding change: c.9896C>G on transcript NM_001367624.2 (MANE Select); coding-DNA position 9896, C replaced by G.
Protein change: p.Ala3299Gly; replaces alanine 3299 with glycine.
Molecular consequence: missense variant.
Genome position (GRCh38, 1-based): chr16:88,437,366, C>G. VCF-style: chr16-88437366-C-G. GRCh37 (hg19) VCF-style: chr16-88503774-C-G.
Other names: NM_001127464.1:c.9812C>G; short protein forms A3299G.
Identifiers: ClinVar variation 3987366 (VCV003987366.1).

ClinVar aggregate classification (germline): Uncertain significance (1 of 4 stars; one submission).

Conditions:
Cardiovascular phenotype. Identifiers: MedGen CN230736.

Submission:

Ambry Genetics
Classification: Uncertain significance for Cardiovascular phenotype. Last evaluated: 2025-05-27. Review status: criteria provided, single submitter. Criteria: Ambry Variant Classification Scheme 2023. Collection method: clinical testing. Allele origin: germline.
Comment: The p.A3271G variant (also known as c.9812C>G), located in coding exon 2 of the ZNF469 gene, results from a C to G substitution at nucleotide position 9812. The alanine at codon 3271 is replaced by glycine, an amino acid with similar properties. This amino acid position is conserved. In addition, this alteration is predicted to be tolerated by in silico analysis. Based on the available evidence, the clinical significance of this variant remains unclear.